The following is an entry in ClinVar:

NM_005559.4(LAMA1):c.300T>C (p.Asn100=)

Gene: LAMA1 (laminin subunit alpha 1; minus strand). Cytogenetic location: 18p11.31.
Variant type: single nucleotide variant.
Coding change: c.300T>C on transcript NM_005559.4 (MANE Select); coding-DNA position 300, T replaced by C.
Protein change: p.Asn100=; no amino-acid change (asparagine 100 retained).
Molecular consequence: synonymous variant.
Genome position (GRCh38, 1-based): chr18:7,080,020, A>G on the plus strand (T>C on the coding strand, the complement: LAMA1 is on the minus strand). VCF-style: chr18-7080020-A-G. GRCh37 (hg19) VCF-style: chr18-7080019-A-G.
Identifiers: ClinVar variation 3389921 (VCV003389921.14).

ClinVar aggregate classification (germline): Likely benign (1 of 4 stars; one submission).

gnomAD v4.1: 3 of 1,614,158 alleles (0.00019%); highest among the groups gnomAD compares: Non-Finnish European, 0.00025%; no homozygotes.

Submission:

CeGaT Center for Human Genetics Tuebingen
Classification: Likely benign. Last evaluated: 2024-10-01. Review status: criteria provided, single submitter. Criteria: CeGaT Center For Human Genetics Tuebingen Variant Classification Criteria Version 2. Collection method: clinical testing. Allele origin: germline. Affected: yes. Observed: 1 variant allele.
Comment: LAMA1: BP4, BP7